The following is an entry in ClinVar:

NM_001365276.2(TNXB):c.10336A>C (p.Lys3446Gln)

Gene: TNXB (tenascin XB; minus strand). Cytogenetic location: 6p21.33.
Variant type: single nucleotide variant.
Coding change: c.10336A>C on transcript NM_001365276.2 (MANE Select); coding-DNA position 10336, A replaced by C.
Protein change: p.Lys3446Gln; replaces lysine 3446 with glutamine.
Molecular consequence: missense variant.
Genome position (GRCh38, 1-based): chr6:32,046,445, T>G on the plus strand (A>C on the coding strand, the complement: TNXB is on the minus strand). VCF-style: chr6-32046445-T-G. GRCh37 (hg19) VCF-style: chr6-32014222-T-G.
Other names: c.10330A>C, p.Lys3444Gln (NM_019105.8); c.10330A>C (NM_019105.6); short protein forms K3444Q, K3446Q.
Identifiers: ClinVar variation 1690775 (VCV001690775.4), dbSNP rs2151887878, ClinGen allele CA363529447.

ClinVar aggregate classification (germline): Uncertain significance. Review status: criteria provided, multiple submitters, no conflicts (2 of 4 stars). 2 submissions from 2 submitters: Uncertain significance (2). Last evaluated 2023-02-18.

Conditions:
Cardiovascular phenotype. Identifiers: MedGen CN230736.

Submissions (2):

Ambry Genetics
Classification: Uncertain significance for Cardiovascular phenotype. Last evaluated: 2023-02-18. Review status: criteria provided, single submitter. Criteria: Ambry Variant Classification Scheme 2023. Collection method: clinical testing. Allele origin: germline.
Comment: The p.K3444Q variant (also known as c.10330A>C), located in coding exon 30 of the TNXB gene, results from an A to C substitution at nucleotide position 10330. The lysine at codon 3444 is replaced by glutamine, an amino acid with similar properties. This amino acid position is conserved. In addition, this alteration is predicted to be tolerated by in silico analysis. Since supporting evidence is limited at this time, the clinical significance of this alteration remains unclear.

Laboratorio de Genetica e Diagnostico Molecular, Hospital Israelita Albert Einstein
Classification: Uncertain significance. Last evaluated: 2020-01-16. Review status: criteria provided, single submitter. Criteria: ACMG Guidelines, 2015. Collection method: clinical testing. Allele origin: germline. Affected: yes.
Comment: ACMG classification criteria: PM2, BP4